The following is an entry in ClinVar:

ClinVar aggregate classification (germline): Uncertain significance (1 of 4 stars; one submission).

Conditions:
Immunodeficiency due to CD25 deficiency. Also called: IMMUNODEFICIENCY 41 WITH LYMPHOPROLIFERATION AND AUTOIMMUNITY; IL2RA DEFICIENCY; CD25 DEFICIENCY. Identifiers: Orphanet 169100, MedGen C1853392, MONDO:0011664, OMIM 606367.

Allele frequency attached by ClinVar (database versions not stated): ExAC 0.00002; TOPMed 0.00002; gnomAD 0.00003; ESP Exome Variant Server 0.00008.

Submission:

Labcorp Genetics (formerly Invitae), Labcorp
Classification: Uncertain significance for Immunodeficiency due to CD25 deficiency. Last evaluated: 2022-11-01. Review status: criteria provided, single submitter. Criteria: Invitae Variant Classification Sherloc (09022015). Collection method: clinical testing. Allele origin: germline.
Comment: This sequence change replaces glutamic acid, which is acidic and polar, with aspartic acid, which is acidic and polar, at codon 208 of the IL2RA protein (p.Glu208Asp). In summary, the available evidence is currently insufficient to determine the role of this variant in disease. Therefore, it has been classified as a Variant of Uncertain Significance. Advanced modeling of protein sequence and biophysical properties (such as structural, functional, and spatial information, amino acid conservation, physicochemical variation, residue mobility, and thermodynamic stability) performed at Invitae indicates that this missense variant is not expected to disrupt IL2RA protein function. ClinVar contains an entry for this variant (Variation ID: 1019861). This variant has not been reported in the literature in individuals affected with IL2RA-related conditions. This variant is present in population databases (rs367926771, gnomAD 0.003%).

NM_000417.3(IL2RA):c.624G>C (p.Glu208Asp)

Gene: IL2RA (interleukin 2 receptor subunit alpha; minus strand). Cytogenetic location: 10p15.1.
Variant type: single nucleotide variant.
Coding change: c.624G>C on transcript NM_000417.3 (MANE Select); coding-DNA position 624, G replaced by C.
Protein change: p.Glu208Asp; replaces glutamic acid 208 with aspartic acid.
Molecular consequence: missense variant. On other transcripts: intron variant (1).
Genome position (GRCh38, 1-based): chr10:6,019,901, C>G on the plus strand (G>C on the coding strand, the complement: IL2RA is on the minus strand). VCF-style: chr10-6019901-C-G. GRCh37 (hg19) VCF-style: chr10-6061864-C-G.
Other names: c.408G>C, p.Glu136Asp (NM_001308242.2); c.368-402G>C (NM_001308243.2); short protein forms E136D, E208D.
Identifiers: ClinVar variation 1019861 (VCV001019861.6), dbSNP rs367926771, ClinGen allele CA5397385.